The following is an entry in ClinVar:

ClinVar aggregate classification (germline): Uncertain significance. Review status: criteria provided, multiple submitters, no conflicts (2 of 4 stars). 2 submissions from 2 submitters: Uncertain significance (2). Last evaluated 2024-04-23.

Conditions:
Hereditary cancer-predisposing syndrome. Also called: Tumor predisposition; Hereditary Cancer Syndrome; Hereditary neoplastic syndrome; Neoplastic Syndromes, Hereditary. Identifiers: Orphanet 140162, MedGen C0027672, MeSH D009386, MONDO:0015356.
Ataxia-telangiectasia syndrome (AT). Also called: LOUIS-BAR SYNDROME; Cerebello-oculocutaneous telangiectasia; Immunodeficiency with ataxia telangiectasia; ATAXIA-TELANGIECTASIA, COMPLEMENTATION GROUP A; ATAXIA-TELANGIECTASIA, FRESNO VARIANT; Ataxia-telangiectasia. Identifiers: Orphanet 100, MedGen C0004135, MONDO:0008840, OMIM 208900.

Allele frequency attached by ClinVar (database versions not stated): gnomAD exomes below 0.00001.

Submissions (2):

Labcorp Genetics (formerly Invitae), Labcorp
Classification: Uncertain significance for Ataxia-telangiectasia syndrome. Last evaluated: 2024-04-23. Review status: criteria provided, single submitter. Criteria: Invitae Variant Classification Sherloc (09022015). Collection method: clinical testing. Allele origin: germline.
Comment: This sequence change replaces alanine, which is neutral and non-polar, with serine, which is neutral and polar, at codon 1119 of the ATM protein (p.Ala1119Ser). This variant is not present in population databases (gnomAD no frequency). This variant has not been reported in the literature in individuals affected with ATM-related conditions. ClinVar contains an entry for this variant (Variation ID: 185136). Algorithms developed to predict the effect of missense changes on protein structure and function output the following: SIFT: "Not Available"; PolyPhen-2: "Benign"; Align-GVGD: "Not Available". The serine amino acid residue is found in multiple mammalian species, which suggests that this missense change does not adversely affect protein function. In summary, the available evidence is currently insufficient to determine the role of this variant in disease. Therefore, it has been classified as a Variant of Uncertain Significance.

Ambry Genetics
Classification: Uncertain significance for Hereditary cancer-predisposing syndrome. Last evaluated: 2023-02-09. Review status: criteria provided, single submitter. Criteria: Ambry Variant Classification Scheme 2023. Collection method: clinical testing. Allele origin: germline.
Comment: The p.A1119S variant (also known as c.3355G>T), located in coding exon 22 of the ATM gene, results from a G to T substitution at nucleotide position 3355. The alanine at codon 1119 is replaced by serine, an amino acid with similar properties. This amino acid position is well conserved in available vertebrate species. In addition, this alteration is predicted to be tolerated by in silico analysis. Since supporting evidence is limited at this time, the clinical significance of this alteration remains unclear.

NM_000051.4(ATM):c.3355G>T (p.Ala1119Ser)

Gene: ATM (ATM serine/threonine kinase; plus strand). Cytogenetic location: 11q22.3.
Variant type: single nucleotide variant.
Coding change: c.3355G>T on transcript NM_000051.4 (MANE Select); coding-DNA position 3355, G replaced by T.
Protein change: p.Ala1119Ser; replaces alanine 1119 with serine.
Molecular consequence: missense variant.
Genome position (GRCh38, 1-based): chr11:108,279,561, G>T. VCF-style: chr11-108279561-G-T. GRCh37 (hg19) VCF-style: chr11-108150288-G-T.
Other names: c.3355G>T, p.Ala1119Ser (NM_001351834.2); short protein forms A1119S.
Identifiers: ClinVar variation 185136 (VCV000185136.11), dbSNP rs786201956, ClinGen allele CA191128.